The following is an entry in ClinVar:

NM_006912.6(RIT1):c.244T>A (p.Phe82Ile)

Gene: RIT1 (Ras like without CAAX 1; minus strand). Cytogenetic location: 1q22.
Variant type: single nucleotide variant.
Coding change: c.244T>A on transcript NM_006912.6 (MANE Select); coding-DNA position 244, T replaced by A.
Protein change: p.Phe82Ile; replaces phenylalanine 82 with isoleucine.
Molecular consequence: missense variant.
Genome position (GRCh38, 1-based): chr1:155,904,496, A>T on the plus strand (T>A on the coding strand, the complement: RIT1 is on the minus strand). VCF-style: chr1-155904496-A-T. GRCh37 (hg19) VCF-style: chr1-155874287-A-T.
Other names: c.244T>A, p.Phe82Ile (LRG_1372t1); c.136T>A, p.Phe46Ile (NM_001256820.2); c.295T>A, p.Phe99Ile (NM_001256821.2); c.295T>A (NM_001256821.1); short protein forms F82I, F99I, F46I.
Identifiers: ClinVar variation 183406 (VCV000183406.12), dbSNP rs869025194, ClinGen allele CA353868.

ClinVar aggregate classification (germline): Pathogenic. Review status: criteria provided, multiple submitters, no conflicts (2 of 4 stars). 5 submissions from 5 submitters: Pathogenic (4). 1 of the submissions does not count toward it. Last evaluated 2024-08-05.

Conditions:
Noonan syndrome 8 (NS8). Identifiers: Orphanet 648, MedGen C3809233, MONDO:0014143, OMIM 615355.
Noonan syndrome (NS). Also called: Noonan's syndrome. Identifiers: Orphanet 648, MedGen C0028326, MeSH D009634, MONDO:0018997. Disease mechanism: gain of function.

Submissions (5):

Labcorp Genetics (formerly Invitae), Labcorp
Classification: Pathogenic for Noonan syndrome 8. Last evaluated: 2024-08-05. Review status: criteria provided, single submitter. Criteria: Invitae Variant Classification Sherloc (09022015). Collection method: clinical testing. Allele origin: germline.
Comment: This sequence change replaces phenylalanine, which is neutral and non-polar, with isoleucine, which is neutral and non-polar, at codon 82 of the RIT1 protein (p.Phe82Ile). This variant is not present in population databases (gnomAD no frequency). This missense change has been observed in individuals with clinical features of Noonan syndrome (PMID: 26757980; Invitae). ClinVar contains an entry for this variant (Variation ID: 183406). Advanced modeling performed at Invitae incorporating data from internal and/or published experimental studies (Invitae) indicates that this missense variant is expected to disrupt RIT1 function with a positive predictive value of 95%. This variant disrupts the p.Phe82 amino acid residue in RIT1. Other variant(s) that disrupt this residue have been determined to be pathogenic (PMID: 23791108, 24939608, 25049390, 26757980). This suggests that this residue is clinically significant, and that variants that disrupt this residue are likely to be disease-causing. For these reasons, this variant has been classified as Pathogenic.

Genome-Nilou Lab
Classification: Pathogenic for Noonan syndrome 8. Last evaluated: 2023-04-11. Review status: criteria provided, single submitter. Criteria: ACMG Guidelines, 2015. Collection method: clinical testing. Allele origin: germline. Affected: no.

GeneDx
Classification: Pathogenic. Last evaluated: 2021-09-28. Review status: criteria provided, single submitter. Criteria: GeneDx Variant Classification Process June 2021. Collection method: clinical testing. Allele origin: germline. Affected: yes.
Comment: Not observed at a significant frequency in large population cohorts (Lek et al., 2016); In silico analysis supports that this missense variant has a deleterious effect on protein structure/function; This variant is associated with the following publications: (PMID: 26757980, 23765226)

Rady Children's Institute for Genomic Medicine, Rady Children's Hospital San Diego
Classification: Pathogenic for Noonan syndrome 8. Review status: criteria provided, single submitter. Criteria: ACMG Guidelines, 2015. Collection method: clinical testing. Allele origin: germline. Affected: yes.
Comment: This variant has been previously reported in the literature as c.244T>A (p.Phe82Ile) on the alternative transcript NM_006912.5. This variant has been previously reported as a heterozygous germline variant in one individual with Noonan Syndrome (PMID: 26757980). This variant has also been previously reported as a somatic variant in myeloid malignancies (PMID: 23765226). However, other variants affecting the same amino acid residue have been reported in ClinVar as Pathogenic variants (Variation ID: 183407, 183408, 372863, 694696, 181522, 370035). This variant is absent from the gnomAD population database and thus is presumed to be rare. The c.295T>A (p.Phe99Ile) variant affects a highly conserved amino acid and is predicted by multiple in silico tools to have a deleterious effect on protein function. Analysis of the parental samples was negative for the variant, indicating this variant likely occurred as a de novo event. Based on the available evidence, the c.295T>A (p.Phe99Ile) variant is classified as Pathogenic.

Service de Génétique Moléculaire, Hôpital Robert Debré
Classification: Pathogenic for Noonan's syndrome. Review status: no assertion criteria provided. Criteria: clinical testing. Collection method: clinical testing. Allele origin: unknown. Affected: yes. Observed: 1 variant allele. Not counted in ClinVar's aggregate classification.

Literature cited by the submitters: PubMed 26757980 (cited by Labcorp Genetics (formerly Invitae), Labcorp); PubMed 23791108 (cited by Labcorp Genetics (formerly Invitae), Labcorp); PubMed 24939608 (cited by Labcorp Genetics (formerly Invitae), Labcorp); PubMed 25049390 (cited by Labcorp Genetics (formerly Invitae), Labcorp).